The following is an entry in ClinVar:

NM_199420.4(POLQ):c.1214T>C (p.Leu405Ser)

Gene: POLQ (DNA polymerase theta; minus strand). Cytogenetic location: 3q13.33.
Variant type: single nucleotide variant.
Coding change: c.1214T>C on transcript NM_199420.4 (MANE Select); coding-DNA position 1214, T replaced by C.
Protein change: p.Leu405Ser; replaces leucine 405 with serine.
Molecular consequence: missense variant.
Genome position (GRCh38, 1-based): chr3:121,522,044, A>G on the plus strand (T>C on the coding strand, the complement: POLQ is on the minus strand). VCF-style: chr3-121522044-A-G. GRCh37 (hg19) VCF-style: chr3-121240891-A-G.
Other names: short protein forms L405S.
Identifiers: ClinVar variation 2497206 (VCV002497206.2), dbSNP rs1560106048, ClinGen allele CA354121477.

ClinVar aggregate classification (germline): Uncertain significance (1 of 4 stars; one submission).

gnomAD v4.1: 2 of 1,603,452 alleles (0.00012%); highest among the groups gnomAD compares: East Asian, 0.0045%; no homozygotes.

Submission:

Ambry Genetics
Classification: Uncertain significance. Last evaluated: 2023-03-03. Review status: criteria provided, single submitter. Criteria: Ambry Variant Classification Scheme 2023. Collection method: clinical testing. Allele origin: germline.
Comment: The p.L405S variant (also known as c.1214T>C), located in coding exon 8 of the POLQ gene, results from a T to C substitution at nucleotide position 1214. The leucine at codon 405 is replaced by serine, an amino acid with dissimilar properties. This amino acid position is conserved. In addition, the in silico prediction for this alteration is inconclusive. Since supporting evidence is limited at this time, the clinical significance of this alteration remains unclear.